The following is an entry in ClinVar:

NM_024753.5(TTC21B):c.1516+6G>A

Gene: TTC21B (tetratricopeptide repeat domain 21B; minus strand). Cytogenetic location: 2q24.3.
Variant type: single nucleotide variant.
Coding change: c.1516+6G>A on transcript NM_024753.5 (MANE Select); 6 bases into the intron after coding-DNA position 1516, G replaced by A.
Molecular consequence: intron variant.
Genome position (GRCh38, 1-based): chr2:165,924,543, C>T on the plus strand (G>A on the coding strand, the complement: TTC21B is on the minus strand). VCF-style: chr2-165924543-C-T. GRCh37 (hg19) VCF-style: chr2-166781053-C-T.
Identifiers: ClinVar variation 1437948 (VCV001437948.5), dbSNP rs374229097, ClinGen allele CA1942109.

ClinVar aggregate classification (germline): Conflicting classifications of pathogenicity. Review status: criteria provided, conflicting classifications (1 of 4 stars). 2 submissions from 2 submitters: Uncertain significance (1); Likely benign (1). Last evaluated 2023-10-25.

Conditions:
Jeune thoracic dystrophy. Also called: Jeune syndrome; Infantile thoracic dystrophy; Thoracic pelvic phalangeal dystrophy; Jeune's syndrome; Chondroectodermal dysplasia-like syndrome; Short-rib thoracic dysplasia. Identifiers: Orphanet 474, MedGen C0265275, MONDO:0018770.
Nephronophthisis. Also called: Juvenile Nephronophthisis. Identifiers: Orphanet 655, MedGen C0687120, MONDO:0019005, HP:0000090.

Allele frequency attached by ClinVar (database versions not stated): gnomAD 0.00002; gnomAD exomes 0.00002 and 0.00004; ExAC 0.00003; TOPMed 0.00003; ESP Exome Variant Server 0.00008.
gnomAD v4.1: 36 of 1,612,398 alleles (0.0022%); highest among the groups gnomAD compares: Non-Finnish European, 0.0028%; no homozygotes.

Submissions (2):

Blueprint Genetics
Classification: Likely benign. Last evaluated: 2023-10-25. Review status: criteria provided, single submitter. Criteria: ACMG Guidelines, 2015. Collection method: clinical testing. Allele origin: germline.

Labcorp Genetics (formerly Invitae), Labcorp
Classification: Uncertain significance for Jeune thoracic dystrophy; Nephronophthisis. Last evaluated: 2023-02-17. Review status: criteria provided, single submitter. Criteria: Invitae Variant Classification Sherloc (09022015). Collection method: clinical testing. Allele origin: germline.
Comment: This sequence change falls in intron 12 of the TTC21B gene. It does not directly change the encoded amino acid sequence of the TTC21B protein. It affects a nucleotide within the consensus splice site. This variant is present in population databases (rs374229097, gnomAD 0.007%). This variant has not been reported in the literature in individuals affected with TTC21B-related conditions. ClinVar contains an entry for this variant (Variation ID: 1437948). Variants that disrupt the consensus splice site are a relatively common cause of aberrant splicing (PMID: 17576681, 9536098). Algorithms developed to predict the effect of sequence changes on RNA splicing suggest that this variant may disrupt the consensus splice site. In summary, the available evidence is currently insufficient to determine the role of this variant in disease. Therefore, it has been classified as a Variant of Uncertain Significance.

Literature cited by the submitters: PubMed 17576681 (cited by Labcorp Genetics (formerly Invitae), Labcorp); PubMed 9536098 (cited by Labcorp Genetics (formerly Invitae), Labcorp).